The following is an entry in ClinVar:

ClinVar aggregate classification (germline): Likely benign (0 of 4 stars; one submission).

Conditions:
FOCAD-related disorder. Also called: FOCAD-related condition.

Submission:

PreventionGenetics, part of Exact Sciences
Classification: Likely benign for FOCAD-related condition. Last evaluated: 2022-09-13. Review status: no assertion criteria provided. Collection method: clinical testing. Allele origin: germline.
Comment: This variant is classified as likely benign based on ACMG/AMP sequence variant interpretation guidelines (Richards et al. 2015 PMID: 25741868, with internal and published modifications).

NM_001375567.1(FOCAD):c.4729-12_4729-5dup

Gene: FOCAD (focadhesin; plus strand). Cytogenetic location: 9p21.3.
Variant type: Duplication.
Coding change: c.4729-12_4729-5dup on transcript NM_001375567.1 (MANE Select); 12 bases into the intron before coding-DNA position 4729 through 5 bases into the intron before coding-DNA position 4729, 8 bases duplicated (TTTTTTTT; older notation c.4729-12_4729-5dupTTTTTTTT).
Molecular consequence: intron variant.
Genome position (GRCh38, 1-based): chr9:20,986,276-20,986,283, TTTTTTTT duplicated; duplicating any 8 consecutive bases within chr9:20,986,267-20,986,283 gives the same sequence; the c. name uses the placement nearest the transcript's 3' end. VCF-style (leftmost placement, unchanged base first): chr9-20986266-A-ATTTTTTTT. GRCh37 (hg19) VCF-style: chr9-20986265-A-ATTTTTTTT.
Other names: c.4729-12_4729-5dup (NM_017794.5); c.4624-12_4624-5dup (NM_001375568.1, NM_001375570.1).
Identifiers: ClinVar variation 3041314 (VCV003041314.2), dbSNP rs545976303, ClinGen allele CA862073099.